The following is an entry in ClinVar:

NC_000023.10:g.(?_107898541)_(107979574_?)del

Genes: COL4A5 (collagen type IV alpha 5 chain; plus strand), IRS4 (insulin receptor substrate 4; minus strand). Cytogenetic location: Xq22.3.
Variant type: Deletion.
Identifiers: ClinVar variation 2423172 (VCV002423172.4).

ClinVar aggregate classification (germline): Pathogenic (1 of 4 stars; one submission).

Submission:

Labcorp Genetics (formerly Invitae), Labcorp
Classification: Pathogenic. Last evaluated: 2022-04-11. Review status: criteria provided, single submitter. Criteria: Invitae Variant Classification Sherloc (09022015). Collection method: clinical testing. Allele origin: germline.
Comment: This variant is a gross deletion of the genomic region encompassing exon(s) 37-51 of the COL4A5 gene, which includes the termination codon. This deletion extends beyond the assayed region for this gene and therefore may encompass additional genes. While this deletion is not anticipated to lead to nonsense mediated decay, it is expected to alter mRNA translation or result in a truncated protein product. A similar copy number variant has been observed in individual(s) with Alport syndrome (PMID: 18584212). This variant disrupts the triple helix domain of COL4A5. Glycine residues within the Gly-Xaa-Yaa repeats of the triple helix domain are required for the structure and stability of fibrillar collagens (PMID: 7695699, 8218237, 19344236). In COL4A5, missense variants at these glycine residues are significantly enriched in individuals with disease (PMID: 23720012, 27627812) compared to the general population (ExAC). For these reasons, this variant has been classified as Pathogenic.

Literature cited by the submitters: PubMed 18584212; PubMed 7695699; PubMed 8218237; PubMed 19344236; PubMed 23720012; PubMed 27627812.